The following is an entry in ClinVar:

NM_001365276.2(TNXB):c.7422A>G (p.Lys2474=)

Gene: TNXB (tenascin XB; minus strand). Cytogenetic location: 6p21.33.
Variant type: single nucleotide variant.
Coding change: c.7422A>G on transcript NM_001365276.2 (MANE Select); coding-DNA position 7422, A replaced by G.
Protein change: p.Lys2474=; no amino-acid change (lysine 2474 retained).
Molecular consequence: synonymous variant.
Genome position (GRCh38, 1-based): chr6:32,061,467, T>C on the plus strand (A>G on the coding strand, the complement: TNXB is on the minus strand). VCF-style: chr6-32061467-T-C. GRCh37 (hg19) VCF-style: chr6-32029244-T-C.
Other names: c.7422A>G, p.Lys2474= (NM_019105.8).
Identifiers: ClinVar variation 1758857 (VCV001758857.25), dbSNP rs768981690, ClinGen allele CA3734159.

ClinVar aggregate classification (germline): Likely benign. Review status: criteria provided, multiple submitters, no conflicts (2 of 4 stars). 4 submissions from 4 submitters: Likely benign (4). Last evaluated 2026-01-12.

Conditions:
Cardiovascular phenotype. Identifiers: MedGen CN230736.

Allele frequency attached by ClinVar (database versions not stated): ExAC 0.00001.

Submissions (4):

Labcorp Genetics (formerly Invitae), Labcorp
Classification: Likely benign. Last evaluated: 2026-01-12. Review status: criteria provided, single submitter. Criteria: Invitae Variant Classification Sherloc (09022015). Collection method: clinical testing. Allele origin: germline.

Blueprint Genetics
Classification: Likely benign. Last evaluated: 2024-11-25. Review status: criteria provided, single submitter. Criteria: ACMG Guidelines, 2015. Collection method: clinical testing. Allele origin: germline.

CeGaT Center for Human Genetics Tuebingen
Classification: Likely benign. Last evaluated: 2024-03-01. Review status: criteria provided, single submitter. Criteria: CeGaT Center For Human Genetics Tuebingen Variant Classification Criteria Version 2. Collection method: clinical testing. Allele origin: germline. Affected: yes. Observed: 1 variant allele.
Comment: TNXB: BP4, BP7

Ambry Genetics
Classification: Likely benign for Cardiovascular phenotype. Last evaluated: 2022-04-09. Review status: criteria provided, single submitter. Criteria: Ambry Variant Classification Scheme 2023. Collection method: clinical testing. Allele origin: germline.